The following is an entry in ClinVar:

NM_025103.4(IFT74):c.405-3C>T

Gene: IFT74 (intraflagellar transport 74; plus strand). Cytogenetic location: 9p21.2.
Variant type: single nucleotide variant.
Coding change: c.405-3C>T on transcript NM_025103.4 (MANE Select); 3 bases into the intron before coding-DNA position 405, C replaced by T.
Molecular consequence: intron variant.
Genome position (GRCh38, 1-based): chr9:26,984,496, C>T. VCF-style: chr9-26984496-C-T. GRCh37 (hg19) VCF-style: chr9-26984494-C-T.
Other names: c.405-3C>T (NM_025103.2, NM_001099223.3, NM_001099222.3 and 2 more transcripts).
Identifiers: ClinVar variation 773781 (VCV000773781.13), dbSNP rs75391688, ClinGen allele CA5014951.

ClinVar aggregate classification (germline): Benign. Review status: criteria provided, single submitter (1 of 4 stars). 2 submissions from 2 submitters: Benign (1). 1 of the submissions does not count toward it. Last evaluated 2026-01-26.

Conditions:
IFT74-related disorder. Also called: IFT74-Related Disorders; IFT74-related condition.

Allele frequency attached by ClinVar (database versions not stated): gnomAD 0.00063 and 0.00097; TOPMed 0.00109; gnomAD exomes 0.00118 and 0.00236; ExAC 0.00234; 1000 Genomes Project 30x 0.00453; 1000 Genomes Project 0.00539.
gnomAD v4.1: 1,928 of 1,610,348 alleles (0.12%); highest among the groups gnomAD compares: East Asian, 3.8%; 44 homozygotes.

Submissions (4):

Labcorp Genetics (formerly Invitae), Labcorp
Classification: Benign. Last evaluated: 2026-01-26. Review status: criteria provided, single submitter. Criteria: Invitae Variant Classification Sherloc (09022015). Collection method: clinical testing. Allele origin: germline.

PreventionGenetics, part of Exact Sciences
Classification: Benign for IFT74-related condition. Last evaluated: 2019-08-09. Review status: no assertion criteria provided. Collection method: clinical testing. Allele origin: germline. Not counted in ClinVar's aggregate classification.
Comment: This variant is classified as benign based on ACMG/AMP sequence variant interpretation guidelines (Richards et al. 2015 PMID: 25741868, with internal and published modifications).

Dr. Peter K. Rogan Lab, Western University
No classification provided (evidence only). Condition: Gastric cancer. Review status: no classification provided. Collection method: in vitro. Allele origin: not applicable. Functional consequence: retained intron. Not counted in ClinVar's aggregate classification.

Dr. Peter K. Rogan Lab, Western University
No classification provided (evidence only). Condition: Malignant tumor of esophagus. Review status: no classification provided. Collection method: in vitro. Allele origin: not applicable. Functional consequence: retained intron. Not counted in ClinVar's aggregate classification.